The following is an entry in ClinVar:

NM_001080517.3(SETD5):c.4243_4244del (p.Pro1415fs)

Gene: SETD5 (SET domain containing 5; plus strand). Cytogenetic location: 3p25.3.
Variant type: Deletion.
Coding change: c.4243_4244del on transcript NM_001080517.3 (MANE Select); coding-DNA positions 4243 to 4244, 2 bases deleted (CC; older notation c.4243_4244delCC).
Protein change: p.Pro1415fs; shifts the reading frame from proline 1415.
Molecular consequence: frameshift variant.
Genome position (GRCh38, 1-based): chr3:9,476,005-9,476,006, CC deleted; deleting any 2 consecutive bases within chr3:9,476,004-9,476,006 gives the same sequence; the c. name uses the placement nearest the transcript's 3' end. VCF-style (leftmost placement, unchanged base first): chr3-9476003-ACC-A. GRCh37 (hg19) VCF-style: chr3-9517687-ACC-A.
Other names: c.3949_3950del, p.Pro1317fs (NM_001292043.2, NM_001349451.2); c.4243_4244delCC (NM_001080517.1); short protein forms P1415fs, P1317fs.
Identifiers: ClinVar variation 1385729 (VCV001385729.10), dbSNP rs775402365, ClinGen allele CA2239891.

ClinVar aggregate classification (germline): Conflicting classifications of pathogenicity. Review status: criteria provided, conflicting classifications (1 of 4 stars). 4 submissions from 4 submitters: Uncertain significance (2); Likely benign (2). Last evaluated 2025-07-14.

Conditions:
Inborn genetic diseases. Identifiers: MedGen C0950123, MeSH D030342.
Intellectual disability-facial dysmorphism syndrome due to SETD5 haploinsufficiency (MRD23). Also called: Intellectual developmental disorder, autosomal dominant 23. Identifiers: Orphanet 404440, MedGen C3810406, MONDO:0014336, OMIM 615761.

Submissions (4):

Labcorp Genetics (formerly Invitae), Labcorp
Classification: Uncertain significance. Last evaluated: 2025-07-14. Review status: criteria provided, single submitter. Criteria: Invitae Variant Classification Sherloc (09022015). Collection method: clinical testing. Allele origin: germline.
Comment: This sequence change is expected to alter the c-terminus of the SETD5 protein (p.Pro1415Thrfs*38). While this is not anticipated to result in nonsense mediated decay, it is expected to disrupt the last 28 amino acid(s) of the SETD5 protein and extend the protein by 9 additional amino acid residues. This variant is present in population databases (rs775402365, gnomAD 0.08%), and has an allele count higher than expected for a pathogenic variant. This variant has not been reported in the literature in individuals affected with SETD5-related conditions. ClinVar contains an entry for this variant (Variation ID: 1385729). Experimental studies and prediction algorithms are not available or were not evaluated, and the functional significance of this variant is currently unknown. In summary, the available evidence is currently insufficient to determine the role of this variant in disease. Therefore, it has been classified as a Variant of Uncertain Significance.

GeneDx
Classification: Likely benign. Last evaluated: 2022-11-03. Review status: criteria provided, single submitter. Criteria: GeneDx Variant Classification Process June 2021. Collection method: clinical testing. Allele origin: germline.
Comment: See Variant Classification Assertion Criteria.

Ambry Genetics
Classification: Likely benign for Inborn genetic diseases. Last evaluated: 2022-01-31. Review status: criteria provided, single submitter. Criteria: Ambry Variant Classification Scheme 2023. Collection method: clinical testing. Allele origin: germline.

Fulgent Genetics
Classification: Uncertain significance for Intellectual disability-facial dysmorphism syndrome due to SETD5 haploinsufficiency. Last evaluated: 2021-09-14. Review status: criteria provided, single submitter. Criteria: ACMG Guidelines, 2015. Collection method: clinical testing. Allele origin: unknown.